The following is an entry in ClinVar:

ClinVar aggregate classification (germline): Pathogenic/Likely pathogenic. Review status: criteria provided, multiple submitters, no conflicts (2 of 4 stars). 2 submissions from 2 submitters: Pathogenic (1); Likely pathogenic (1). Last evaluated 2025-04-23.

Submissions (2):

GeneDx
Classification: Pathogenic. Last evaluated: 2025-04-23. Review status: criteria provided, single submitter. Criteria: GeneDx Variant Classification Process June 2021. Collection method: clinical testing. Allele origin: germline. Affected: yes.
Comment: Canonical splice site variant predicted to result in a null allele in a gene for which loss of function is a known mechanism of disease; Not observed at significant frequency in large population cohorts (gnomAD); Has not been previously published as pathogenic or benign to our knowledge; This variant is associated with the following publications: (PMID: 32620954, 23354436)

Labcorp Genetics (formerly Invitae), Labcorp
Classification: Likely pathogenic. Last evaluated: 2022-03-15. Review status: criteria provided, single submitter. Criteria: Invitae Variant Classification Sherloc (09022015). Collection method: clinical testing. Allele origin: germline.
Comment: This sequence change affects a donor splice site in intron 14 of the TCF12 gene. It is expected to disrupt RNA splicing. Variants that disrupt the donor or acceptor splice site typically lead to a loss of protein function (PMID: 16199547), and loss-of-function variants in TCF12 are known to be pathogenic (PMID: 23354436, 32620954). This variant is not present in population databases (gnomAD no frequency). Disruption of this splice site has been observed in individual(s) with Kallmann syndrome (PMID: 32620954). Algorithms developed to predict the effect of sequence changes on RNA splicing suggest that this variant may disrupt the consensus splice site. In summary, the currently available evidence indicates that the variant is pathogenic, but additional data are needed to prove that conclusively. Therefore, this variant has been classified as Likely Pathogenic.

Literature cited by the submitters: PubMed 16199547 (cited by Labcorp Genetics (formerly Invitae), Labcorp); PubMed 23354436 (cited by Labcorp Genetics (formerly Invitae), Labcorp); PubMed 32620954 (cited by Labcorp Genetics (formerly Invitae), Labcorp).

NM_207037.2(TCF12):c.1188+1G>C

Gene: TCF12 (transcription factor 12; plus strand). Cytogenetic location: 15q21.3.
Variant type: single nucleotide variant.
Coding change: c.1188+1G>C on transcript NM_207037.2 (MANE Select); the canonical splice donor site of the intron after coding-DNA position 1188, G replaced by C.
Molecular consequence: splice donor variant.
Genome position (GRCh38, 1-based): chr15:57,251,424, G>C. VCF-style: chr15-57251424-G-C. GRCh37 (hg19) VCF-style: chr15-57543622-G-C.
Other names: c.1188+1G>C (NM_001322151.2, NM_001322159.3, NM_001322157.3 and 7 more transcripts); c.1014+1G>C (NM_001322156.2, NM_001322158.2); c.531+1G>C (NM_001322154.2); c.1224+1G>C (NM_001322164.2); c.678+1G>C (NM_001306219.3, NM_207040.2); c.480+1G>C (NM_001306220.3).
Identifiers: ClinVar variation 2112608 (VCV002112608.5), dbSNP rs1225388174, ClinGen allele CA392596735.